The following is an entry in ClinVar:

NM_001035.3(RYR2):c.1477-11del

Gene: RYR2 (ryanodine receptor 2; plus strand). Cytogenetic location: 1q43.
Variant type: Deletion.
Coding change: c.1477-11del on transcript NM_001035.3 (MANE Select); 11 bases into the intron before coding-DNA position 1477, one base deleted (T; older notation c.1477-11delT).
Molecular consequence: intron variant.
Genome position (GRCh38, 1-based): chr1:237,456,589, T deleted; the last of 14 consecutive T bases (chr1:237,456,576-237,456,589); deleting any one gives the same sequence. VCF-style (leftmost placement, unchanged base first): chr1-237456575-AT-A. GRCh37 (hg19) VCF-style: chr1-237619875-AT-A.
Other names: c.1477-11delT (NM_001035.2).
Identifiers: ClinVar variation 43749 (VCV000043749.13), dbSNP rs397516518, ClinGen allele CA008392.

ClinVar aggregate classification (germline): Benign/Likely benign. Review status: criteria provided, multiple submitters, no conflicts (2 of 4 stars). 6 submissions from 4 submitters: Benign (5); Likely benign (1). Last evaluated 2021-11-07.

Conditions:
Cardiac arrhythmia. Also called: Cardiac rhythm disease; Arrhythmia. Identifiers: MedGen C0003811, MONDO:0007263, HP:0011675.
Catecholaminergic polymorphic ventricular tachycardia 1. Also called: VENTRICULAR TACHYCARDIA, STRESS-INDUCED POLYMORPHIC 1; VENTRICULAR TACHYCARDIA, CATECHOLAMINERGIC POLYMORPHIC, 1, WITH OR WITHOUT ATRIAL DYSFUNCTION AND/OR DILATED CARDIOMYOPATHY; RYR2-Related Catecholaminergic Polymorphic Ventricular Tachycardia. Identifiers: Orphanet 3286, MedGen C1631597, MONDO:0011484, OMIM 604772.
Arrhythmogenic right ventricular dysplasia 2. Identifiers: MedGen C1832931.

Submissions (6):

Genome-Nilou Lab
Classification: Benign for Catecholaminergic polymorphic ventricular tachycardia 1. Last evaluated: 2021-11-07. Review status: criteria provided, single submitter. Criteria: ACMG Guidelines, 2015. Collection method: clinical testing. Allele origin: germline. Affected: no.

Genome-Nilou Lab
Classification: Benign for Ventricular arrhythmias due to cardiac ryanodine receptor calcium release deficiency syndrome. Last evaluated: 2021-11-07. Review status: criteria provided, single submitter. Criteria: ACMG Guidelines, 2015. Collection method: clinical testing. Allele origin: germline. Affected: no.

Genome-Nilou Lab
Classification: Benign for Catecholaminergic polymorphic ventricular tachycardia 1. Last evaluated: 2021-11-07. Review status: criteria provided, single submitter. Criteria: ACMG Guidelines, 2015. Collection method: clinical testing. Allele origin: germline. Affected: no.

Women's Health and Genetics/Laboratory Corporation of America, LabCorp
Classification: Benign. Last evaluated: 2019-09-20. Review status: criteria provided, single submitter. Criteria: LabCorp Variant Classification Summary - May 2015. Collection method: clinical testing. Allele origin: germline.

GeneDx
Classification: Benign. Last evaluated: 2019-08-07. Review status: criteria provided, single submitter. Criteria: GeneDx Variant Classification Process June 2021. Collection method: clinical testing. Allele origin: germline. Affected: yes.

Laboratory for Molecular Medicine, Mass General Brigham Personalized Medicine
Classification: Likely benign. Last evaluated: 2011-09-16. Review status: criteria provided, single submitter. Criteria: LMM Criteria. Collection method: clinical testing. Allele origin: germline. Observed: 3 variant alleles.
Comment: 1477-11delT in intron 15 of RYR2: This variant is not expected to have clinical significance because it is located outside the conserved +/- 1, 2 region of the splicing consensus sequence and as part of a polyT stretch. This variant has be en reported in dbSNP (rs60132900 & rs5781961) without frequency information.